The following is an entry in ClinVar:

ClinVar aggregate classification (germline): Uncertain significance (1 of 4 stars; one submission).

gnomAD v4.1: 19 of 1,597,642 alleles (0.0012%); highest among the groups gnomAD compares: Middle Eastern, 0.017%; no homozygotes.

Submission:

Mayo Clinic Laboratories, Mayo Clinic
Classification: Uncertain significance. Last evaluated: 2025-03-18. Review status: criteria provided, single submitter. Criteria: ACMG Guidelines, 2015. Collection method: clinical testing. Allele origin: germline. Observed: 1 variant allele.
Comment: BP4_strong

NM_014855.3(AP5Z1):c.772C>T (p.Pro258Ser)

Gene: AP5Z1 (adaptor related protein complex 5 subunit zeta 1; plus strand). Cytogenetic location: 7p22.1.
Variant type: single nucleotide variant.
Coding change: c.772C>T on transcript NM_014855.3 (MANE Select); coding-DNA position 772, C replaced by T.
Protein change: p.Pro258Ser; replaces proline 258 with serine.
Molecular consequence: missense variant. On other transcripts: non-coding transcript variant (1).
Genome position (GRCh38, 1-based): chr7:4,784,353, C>T. VCF-style: chr7-4784353-C-T. GRCh37 (hg19) VCF-style: chr7-4823984-C-T.
Other names: p.Pro258Ser; c.304C>T, p.Pro102Ser (NM_001364858.1); short protein forms P258S, P102S.
Identifiers: ClinVar variation 4541258 (VCV004541258.1).